The following is an entry in ClinVar:

NM_002661.5(PLCG2):c.974C>T (p.Ser325Leu)

Gene: PLCG2 (phospholipase C gamma 2; plus strand). Cytogenetic location: 16q23.3.
Variant type: single nucleotide variant.
Coding change: c.974C>T on transcript NM_002661.5 (MANE Select); coding-DNA position 974, C replaced by T.
Protein change: p.Ser325Leu; replaces serine 325 with leucine.
Molecular consequence: missense variant.
Genome position (GRCh38, 1-based): chr16:81,891,578, C>T. VCF-style: chr16-81891578-C-T. GRCh37 (hg19) VCF-style: chr16-81925183-C-T.
Other names: c.974C>T, p.Ser325Leu (NM_001425749.1, NM_001425750.1, NM_001425751.1); short protein forms S325L.
Identifiers: ClinVar variation 4767199 (VCV004767199.1).

ClinVar aggregate classification (germline): Uncertain significance (1 of 4 stars; one submission).

Conditions:
Familial cold autoinflammatory syndrome 3 (FCAS3). Also called: FAMILIAL ATYPICAL COLD URTICARIA; ANTIBODY DEFICIENCY AND IMMUNE DYSREGULATION, PLCG2-ASSOCIATED. Identifiers: Orphanet 300359, MedGen C3280914, MONDO:0013766, OMIM 614468.

gnomAD v4.1: 4 of 1,575,470 alleles (0.00025%); highest among the groups gnomAD compares: Non-Finnish European, 0.00035%; no homozygotes.

Submission:

Labcorp Genetics (formerly Invitae), Labcorp
Classification: Uncertain significance for Familial cold autoinflammatory syndrome 3. Last evaluated: 2025-07-20. Review status: criteria provided, single submitter. Criteria: Invitae Variant Classification Sherloc (09022015). Collection method: clinical testing. Allele origin: germline.
Comment: This sequence change replaces serine, which is neutral and polar, with leucine, which is neutral and non-polar, at codon 325 of the PLCG2 protein (p.Ser325Leu). This variant is not present in population databases (gnomAD no frequency). This variant has not been reported in the literature in individuals affected with PLCG2-related conditions. An algorithm developed to predict the effect of missense changes on protein structure and function (PolyPhen-2) suggests that this variant is likely to be disruptive. In summary, the available evidence is currently insufficient to determine the role of this variant in disease. Therefore, it has been classified as a Variant of Uncertain Significance.